The following is an entry in ClinVar:

ClinVar aggregate classification (germline): Likely benign (1 of 4 stars; one submission).

Conditions:
Deficiency of ribose-5-phosphate isomerase. Also called: Ribose-5-P isomerase deficiency. Identifiers: Orphanet 440706, MedGen C1291609, MONDO:0012073, OMIM 608611.

Allele frequency attached by ClinVar (database versions not stated): gnomAD exomes 0.00029; gnomAD 0.00238 and 0.00250; TOPMed 0.00260; 1000 Genomes Project 30x 0.00312; 1000 Genomes Project 0.00359.
gnomAD v4.1: 437 of 405,698 alleles (0.11%); highest among the groups gnomAD compares: African/African-American, 0.77%; 1 homozygote.

Submission:

Illumina Laboratory Services, Illumina
Classification: Likely benign for Deficiency of ribose-5-phosphate isomerase. Last evaluated: 2018-01-13. Review status: criteria provided, single submitter. Criteria: ICSL Variant Classification Criteria 13 December 2019. Collection method: clinical testing. Allele origin: germline.
Comment: This variant was observed in the ICSL laboratory as part of a predisposition screen in an ostensibly healthy population. It had not been previously curated by ICSL or reported in the Human Gene Mutation Database (HGMD: prior to June 1st, 2018), and was therefore a candidate for classification through an automated scoring system. Utilizing variant allele frequency, disease prevalence and penetrance estimates, and inheritance mode, an automated score was calculated to assess if this variant is too frequent to cause the disease. Based on the score and internal cut-off values, a variant classified as likely benign is not then subjected to further curation. The score for this variant resulted in a classification of likely benign for this disease.

NM_144563.3(RPIA):c.*241A>G

Gene: RPIA (ribose 5-phosphate isomerase A; plus strand). Cytogenetic location: 2p11.2.
Variant type: single nucleotide variant.
Coding change: c.*241A>G on transcript NM_144563.3 (MANE Select); 241 bases downstream of the stop codon, A replaced by G.
Molecular consequence: 3 prime UTR variant.
Genome position (GRCh38, 1-based): chr2:88,750,319, A>G. VCF-style: chr2-88750319-A-G. GRCh37 (hg19) VCF-style: chr2-89049836-A-G.
Identifiers: ClinVar variation 895736 (VCV000895736.4), dbSNP rs151226092, ClinGen allele CA51460674.